The following is an entry in ClinVar:

ClinVar aggregate classification (germline): Pathogenic. Review status: criteria provided, multiple submitters, no conflicts (2 of 4 stars). 2 submissions from 2 submitters: Pathogenic (2). Last evaluated 2021-06-15.

Conditions:
Cardiovascular phenotype. Identifiers: MedGen CN230736.
Arrhythmogenic cardiomyopathy with wooly hair and keratoderma. Also called: PALMOPLANTAR KERATODERMA WITH LEFT VENTRICULAR CARDIOMYOPATHY AND WOOLLY HAIR; Carvajal syndrome; Dilated cardiomyopathy with woolly hair and keratoderma; Arrhythmogenic cardiomyopathy with woolly hair and keratoderma. Identifiers: Orphanet 65282, MedGen C1854063, MONDO:0011581, OMIM 605676.
Arrhythmogenic right ventricular dysplasia 8 (ARVD8). Also called: ARRHYTHMOGENIC RIGHT VENTRICULAR DYSPLASIA, FAMILIAL, 8; Arrhythmogenic Right Ventricular Dysplasia/Cardiomyopathy 8; ARRHYTHMOGENIC RIGHT VENTRICULAR CARDIOMYOPATHY 8. Identifiers: MedGen C1843896, MONDO:0011831, OMIM 607450.

Submissions (2):

Labcorp Genetics (formerly Invitae), Labcorp
Classification: Pathogenic for Arrhythmogenic cardiomyopathy with wooly hair and keratoderma; Arrhythmogenic right ventricular dysplasia 8. Last evaluated: 2021-06-15. Review status: criteria provided, single submitter. Criteria: Invitae Variant Classification Sherloc (09022015). Collection method: clinical testing. Allele origin: germline.
Comment: This sequence change creates a premature translational stop signal (p.Gln216Profs*4) in the DSP gene. It is expected to result in an absent or disrupted protein product. Loss-of-function variants in DSP are known to be pathogenic (PMID: 20716751, 24503780, 25227139). This variant is not present in population databases (ExAC no frequency). This variant has not been reported in the literature in individuals with DSP-related conditions. For these reasons, this variant has been classified as Pathogenic.

Ambry Genetics
Classification: Pathogenic for Cardiovascular phenotype. Last evaluated: 2020-10-27. Review status: criteria provided, single submitter. Criteria: Ambry Variant Classification Scheme 2023. Collection method: clinical testing. Allele origin: germline.
Comment: The c.646dupC pathogenic mutation, located in coding exon 5 of the DSP gene, results from a duplication of C at nucleotide position 646, causing a translational frameshift with a predicted alternate stop codon (p.Q216Pfs*4). This variant was not reported in population-based cohorts in the Genome Aggregation Database (gnomAD). Alterations in DSP that result in haploinsufficiency or protein truncation have been reported in patients with arrhythmogenic right ventricular cardiomyopathy (ARVC) and dilated cardiomyopathy (DCM) (Fressart V et al. Europace. 2010;12(6):861-8; Elliott P et al. Circ Cardiovasc Genet. 2010;3(4):314-22; Quarta G et al. Circulation. 2011;123(23):2701-9; Garcia-Pavia P et al. Heart. 2011;97(21):1744-52; Rasmussen TB et al. Clin Genet. 2013;84(1):20-30; Pugh TJ et al. Genet Med. 2014;16(8):601-8). This alteration is expected to result in loss of function by premature protein truncation or nonsense-mediated mRNA decay. As such, this alteration is interpreted as a disease-causing mutation.

Literature cited by the submitters: PubMed 20716751 (cited by Labcorp Genetics (formerly Invitae), Labcorp); PubMed 24503780 (cited by Labcorp Genetics (formerly Invitae), Labcorp); PubMed 25227139 (cited by Labcorp Genetics (formerly Invitae), Labcorp).

NM_004415.4(DSP):c.646dup (p.Gln216fs)

Gene: DSP (desmoplakin; plus strand). Cytogenetic location: 6p24.3.
Variant type: Duplication.
Coding change: c.646dup on transcript NM_004415.4 (MANE Select); coding-DNA position 646, one base duplicated (C; older notation c.646dupC).
Protein change: p.Gln216fs; shifts the reading frame from glutamine 216.
Molecular consequence: frameshift variant.
Genome position (GRCh38, 1-based): chr6:7,562,700, C duplicated. VCF-style (leftmost placement, unchanged base first): chr6-7562699-G-GC. GRCh37 (hg19) VCF-style: chr6-7562932-G-GC.
Other names: c.646dup, p.Gln216fs (NM_001008844.3, NM_001319034.2); short protein forms Q216fs.
Identifiers: ClinVar variation 1453153 (VCV001453153.8), dbSNP rs2113665124, ClinGen allele CA2573140923.
Genomic context (GRCh38, chr6:7,562,699, plus strand): 5'-CTTTGTGTCGCAGGCGGAGATGGACATGGTGGCCTGGGGTGTGGACCTGGCCTCAGTGGA[G>GC]CAGCACATTAACAGCCACCGGGGCATCCACAACTCCATCGGCGACTATCGCTGGCAGCTG-3'